The following is an entry in ClinVar:

ClinVar aggregate classification (germline): Uncertain significance (1 of 4 stars; one submission).

Conditions:
Inborn genetic diseases. Identifiers: MedGen C0950123, MeSH D030342.

Submission:

Ambry Genetics
Classification: Uncertain significance for Inborn genetic diseases. Last evaluated: 2024-05-11. Review status: criteria provided, single submitter. Criteria: Ambry Variant Classification Scheme 2023. Collection method: clinical testing. Allele origin: germline.
Comment: The p.I1552V variant (also known as c.4654A>G), located in coding exon 27 of the ATR gene, results from an A to G substitution at nucleotide position 4654. The isoleucine at codon 1552 is replaced by valine, an amino acid with highly similar properties. This amino acid position is conserved. In addition, this alteration is predicted to be tolerated by in silico analysis. Based on the available evidence, the clinical significance of this variant remains unclear.

NM_001184.4(ATR):c.4654A>G (p.Ile1552Val)

Gene: ATR (ATR serine/threonine kinase; minus strand). Cytogenetic location: 3q23.
Variant type: single nucleotide variant.
Coding change: c.4654A>G on transcript NM_001184.4 (MANE Select); coding-DNA position 4654, A replaced by G.
Protein change: p.Ile1552Val; replaces isoleucine 1552 with valine.
Molecular consequence: missense variant.
Genome position (GRCh38, 1-based): chr3:142,512,458, T>C on the plus strand (A>G on the coding strand, the complement: ATR is on the minus strand). VCF-style: chr3-142512458-T-C. GRCh37 (hg19) VCF-style: chr3-142231300-T-C.
Other names: c.4462A>G, p.Ile1488Val (NM_001354579.2); short protein forms I1488V, I1552V.
Identifiers: ClinVar variation 3331917 (VCV003331917.1).
Genomic context (GRCh38, chr3:142,512,458, plus strand): 5'-CAGATGCAATGTCTTGGGTATTTATGGTATGCTGATCGTCATGCTTTAGAACTGCCATAA[T>C]TTCTGCATAAACCTATGAGAATCATTTATAATTAATAATAATATCTATATAATACCATTT-3'
Protein context (NP_001175.2, residues 1542-1562): QEDQQEVYAE[Ile1552Val]MAVLKHDDQH